The following is an entry in ClinVar:

ClinVar aggregate classification (germline): Uncertain significance (1 of 4 stars; one submission).

Conditions:
Pitt-Hopkins syndrome (PTHS). Also called: ENCEPHALOPATHY, SEVERE EPILEPTIC, WITH AUTONOMIC DYSFUNCTION; MENTAL RETARDATION, SYNDROMAL, WITH INTERMITTENT HYPERVENTILATION. Identifiers: Orphanet 2896, MedGen C1970431, MONDO:0012589, OMIM 610954.

Submission:

Victorian Clinical Genetics Services, Murdoch Childrens Research Institute
Classification: Uncertain significance for Pitt-Hopkins syndrome. Last evaluated: 2024-09-23. Review status: criteria provided, single submitter. Criteria: ACMG Guidelines, 2015. Collection method: clinical testing. Allele origin: germline. Inheritance: Autosomal dominant inheritance. Affected: yes.
Comment: Based on the classification scheme VCGS_Germline_v1.3.4, this variant is classified as VUS-3A. Following criteria are met: 0102 - Loss of function is a known mechanism of disease in this gene and is associated with Pitt-Hopkins syndrome (MIM#610954), and dominant negative is a suggested mechanism for some missense variants (PMID: 22460224, 34134113). Fuchs endothelial corneal dystrophy (MIM#613267) is only caused by expanded CTG repeats (OMIM), where the mechanism is unclear. (I) 0107 - This gene is associated with autosomal dominant disease. (I) 0112 - The condition corneal dystrophy associated with this gene has incomplete penetrance (OMIM). (I) 0212 - Non-canonical splice site variant without proven consequence on splicing (no functional evidence available). (SP) 0251 - This variant is heterozygous. (I) 0301 - Variant is absent from gnomAD (both v2 and v3). (SP) 0505 - Abnormal splicing is predicted by in silico tools and affected nucleotide is highly conserved. (SP) 0705 - No comparable splice site variants have previous evidence for pathogenicity. (I) 0807 - This variant has no previous evidence of pathogenicity. (I) 0905 - No published segregation evidence has been identified for this variant. (I) 1007 - No published functional evidence has been identified for this variant. (SP) Legend: (SP) - Supporting pathogenic, (I) - Information, (SB) - Supporting benign

Literature cited by the submitters: PubMed 22460224; PubMed 34134113.

NM_001083962.2(TCF4):c.1650-3C>G

Gene: TCF4 (transcription factor 4; minus strand). Cytogenetic location: 18q21.2.
Variant type: single nucleotide variant.
Coding change: c.1650-3C>G on transcript NM_001083962.2 (MANE Select); 3 bases into the intron before coding-DNA position 1650, C replaced by G.
Molecular consequence: intron variant.
Genome position (GRCh38, 1-based): chr18:55,229,079, G>C on the plus strand (C>G on the coding strand, the complement: TCF4 is on the minus strand). VCF-style: chr18-55229079-G-C. GRCh37 (hg19) VCF-style: chr18-52896310-G-C.
Other names: c.1956-3C>G (NM_001243226.3); c.1563-3C>G (NM_001369584.1, NM_001369585.1, NM_001348220.1); c.1575-3C>G (NM_001369576.1, NM_001369577.1, NM_001369578.1 and 3 more transcripts); c.1566-3C>G (NM_001369582.1, NM_001369583.1, NM_001348219.2 and 1 more transcripts); c.1578-3C>G (NM_001243227.2, NM_001369575.1, NM_001348218.2 and 1 more transcripts); c.1581-3C>G (NM_001369586.1); c.1638-3C>G (NM_001369571.1, NM_001369572.1, NM_003199.3); c.1650-3C>G (NM_001369567.1, NM_001369568.1); and 14 more.
Identifiers: ClinVar variation 3255078 (VCV003255078.2), dbSNP rs2511501509.